The following is an entry in ClinVar:

NM_017775.4(TTC19):c.*46T>C

Gene: TTC19 (tetratricopeptide repeat domain 19; plus strand). Cytogenetic location: 17p12.
Variant type: single nucleotide variant.
Coding change: c.*46T>C on transcript NM_017775.4 (MANE Select); 46 bases downstream of the stop codon, T replaced by C.
Molecular consequence: 3 prime UTR variant.
Genome position (GRCh38, 1-based): chr17:16,027,568, T>C. VCF-style: chr17-16027568-T-C. GRCh37 (hg19) VCF-style: chr17-15930882-T-C.
Other names: c.*46T>C (NM_001271420.2).
Identifiers: ClinVar variation 321952 (VCV000321952.7), dbSNP rs3744328, ClinGen allele CA8407614.

ClinVar aggregate classification (germline): Benign. Review status: criteria provided, multiple submitters, no conflicts (2 of 4 stars). 3 submissions from 3 submitters: Benign (3). Last evaluated 2018-06-16.

Conditions:
Mitochondrial complex III deficiency nuclear type 2. Identifiers: MedGen C3554605, MONDO:0014063, OMIM 615157.

Allele frequency attached by ClinVar (database versions not stated): ExAC 0.05720; gnomAD 0.07894 and 0.08127; ESP Exome Variant Server 0.08119; TOPMed 0.08479; 1000 Genomes Project 0.09804; 1000 Genomes Project 30x 0.10025.

Submissions (3):

GeneDx
Classification: Benign. Last evaluated: 2018-06-16. Review status: criteria provided, single submitter. Criteria: GeneDx Variant Classification Process June 2021. Collection method: clinical testing. Allele origin: germline. Affected: yes.

Illumina Laboratory Services, Illumina
Classification: Benign for Mitochondrial complex III deficiency nuclear type 2. Last evaluated: 2018-01-13. Review status: criteria provided, single submitter. Criteria: ICSL Variant Classification Criteria 13 December 2019. Collection method: clinical testing. Allele origin: germline.
Comment: This variant was observed in the ICSL laboratory as part of a predisposition screen in an ostensibly healthy population. It had not been previously curated by ICSL or reported in the Human Gene Mutation Database (HGMD: prior to June 1st, 2018), and was therefore a candidate for classification through an automated scoring system. Utilizing variant allele frequency, disease prevalence and penetrance estimates, and inheritance mode, an automated score was calculated to assess if this variant is too frequent to cause the disease. Based on the score and internal cut-off values, a variant classified as benign is not then subjected to further curation. The score for this variant resulted in a classification of benign for this disease.

Breakthrough Genomics
Classification: Benign. Review status: criteria provided, single submitter. Criteria: ACMG Guidelines, 2015. Collection method: not provided. Allele origin: germline. Inheritance: Autosomal recessive inheritance. Affected: yes.